The following is an entry in ClinVar:

NM_206933.4(USH2A):c.10585+143A>C

Gene: USH2A (usherin; minus strand). Cytogenetic location: 1q41.
Variant type: single nucleotide variant.
Coding change: c.10585+143A>C on transcript NM_206933.4 (MANE Select); 143 bases into the intron after coding-DNA position 10585, A replaced by C.
Molecular consequence: intron variant.
Genome position (GRCh38, 1-based): chr1:215,782,595, T>G on the plus strand (A>C on the coding strand, the complement: USH2A is on the minus strand). VCF-style: chr1-215782595-T-G. GRCh37 (hg19) VCF-style: chr1-215955937-T-G.
Identifiers: ClinVar variation 678884 (VCV000678884.4), dbSNP rs6665799, ClinGen allele CA10751679.
Genomic context (GRCh38, chr1:215,782,595, plus strand): 5'-TTTTTACTTATTTAGGCTAAAAATCTACGAGGACTACACCACAAAGTGAGTGATTAGTTG[T>G]CACATAATTACAGTTCCCTTTATCGGAACATACTTTTCTAGTGGTTAGATGCATAGGGCA-3'

ClinVar aggregate classification (germline): Benign. Review status: criteria provided, multiple submitters, no conflicts (2 of 4 stars). 2 submissions from 2 submitters: Benign (2). Last evaluated 2021-07-01.

Conditions:
Usher syndrome type 2A. Also called: USHER SYNDROME, TYPE IIA; RETINAL DISEASE IN USHER SYNDROME TYPE IIA, MODIFIER OF. Identifiers: Orphanet 231178, Orphanet 886, MedGen C1848634, MONDO:0010169, OMIM 276901.

Allele frequency attached by ClinVar (database versions not stated): 1000 Genomes Project 0.35363; 1000 Genomes Project 30x 0.35478; gnomAD 0.36073; TOPMed 0.36636.
gnomAD v4.1: 303,575 of 894,186 alleles (34%); highest among the groups gnomAD compares: African/African-American, 46%; 52,480 homozygotes.

Submissions (2):

Genome-Nilou Lab
Classification: Benign for Usher syndrome type 2A. Last evaluated: 2021-07-01. Review status: criteria provided, single submitter. Criteria: ACMG Guidelines, 2015. Collection method: clinical testing. Allele origin: germline. Affected: no.

GeneDx
Classification: Benign. Last evaluated: 2018-06-14. Review status: criteria provided, single submitter. Criteria: GeneDx Variant Classification (06012015). Collection method: clinical testing. Allele origin: germline. Affected: yes.
Comment: This variant is considered likely benign or benign based on one or more of the following criteria: it is a conservative change, it occurs at a poorly conserved position in the protein, it is predicted to be benign by multiple in silico algorithms, and/or has population frequency not consistent with disease.